The following is an entry in ClinVar:

ClinVar aggregate classification (germline): Uncertain significance. Review status: criteria provided, multiple submitters, no conflicts (2 of 4 stars). 2 submissions from 2 submitters: Uncertain significance (2). Last evaluated 2025-04-14.

Allele frequency attached by ClinVar (database versions not stated): gnomAD 0.00001; gnomAD exomes 0.00001; ExAC 0.00002; TOPMed 0.00002.
gnomAD v4.1: 7 of 1,613,982 alleles (0.00043%); highest among the groups gnomAD compares: Admixed American, 0.0083%; no homozygotes.

Submissions (2):

Labcorp Genetics (formerly Invitae), Labcorp
Classification: Uncertain significance. Last evaluated: 2025-04-14. Review status: criteria provided, single submitter. Criteria: Invitae Variant Classification Sherloc (09022015). Collection method: clinical testing. Allele origin: germline.
Comment: This sequence change replaces glutamic acid, which is acidic and polar, with valine, which is neutral and non-polar, at codon 74 of the NDUFB10 protein (p.Glu74Val). This variant is present in population databases (rs750246805, gnomAD 0.006%). This variant has not been reported in the literature in individuals affected with NDUFB10-related conditions. ClinVar contains an entry for this variant (Variation ID: 2195883). An algorithm developed to predict the effect of missense changes on protein structure and function (PolyPhen-2) suggests that this variant is likely to be tolerated. In summary, the available evidence is currently insufficient to determine the role of this variant in disease. Therefore, it has been classified as a Variant of Uncertain Significance.

Ambry Genetics
Classification: Uncertain significance. Last evaluated: 2023-11-14. Review status: criteria provided, single submitter. Criteria: Ambry Variant Classification Scheme 2023. Collection method: clinical testing. Allele origin: germline.

NM_004548.3(NDUFB10):c.221A>T (p.Glu74Val)

Gene: NDUFB10 (NADH:ubiquinone oxidoreductase subunit B10; plus strand). Cytogenetic location: 16p13.3.
Variant type: single nucleotide variant.
Coding change: c.221A>T on transcript NM_004548.3 (MANE Select); coding-DNA position 221, A replaced by T.
Protein change: p.Glu74Val; replaces glutamic acid 74 with valine.
Molecular consequence: missense variant.
Genome position (GRCh38, 1-based): chr16:1,961,243, A>T. VCF-style: chr16-1961243-A-T. GRCh37 (hg19) VCF-style: chr16-2011244-A-T.
Other names: c.221A>T (NM_004548.2); short protein forms E74V.
Identifiers: ClinVar variation 2195883 (VCV002195883.5), dbSNP rs750246805, ClinGen allele CA7823286.
Genomic context (GRCh38, chr16:1,961,243, plus strand): 5'-GGTATTACTACTACCACCGGCAGTACCGCCGCGTGCCAGACATCACTGAGTGCAAGGAGG[A>T]GGACATCATGTGCATGTATGAAGCCGAAATGCAGTGGAAGAGGGACTAGTACGTGAGCCA-3'
Protein context (NP_004539.1, residues 64-84): RVPDITECKE[Glu74Val]DIMCMYEAEM